The following is an entry in ClinVar:

NM_001371596.2(MFSD8):c.436G>A (p.Ala146Thr)

Gene: MFSD8 (major facilitator superfamily domain containing 8; minus strand). Cytogenetic location: 4q28.2.
Variant type: single nucleotide variant.
Coding change: c.436G>A on transcript NM_001371596.2 (MANE Select); coding-DNA position 436, G replaced by A.
Protein change: p.Ala146Thr; replaces alanine 146 with threonine.
Molecular consequence: missense variant.
Genome position (GRCh38, 1-based): chr4:127,943,755, C>T on the plus strand (G>A on the coding strand, the complement: MFSD8 is on the minus strand). VCF-style: chr4-127943755-C-T. GRCh37 (hg19) VCF-style: chr4-128864910-C-T.
Other names: c.436G>A, p.Ala146Thr (NM_001363520.3, NM_001363521.3, NM_001371591.2 and 5 more transcripts); c.301G>A, p.Ala101Thr (NM_001371590.2, NM_001371595.1, NM_001410765.1); short protein forms A146T, A101T.
Identifiers: ClinVar variation 657931 (VCV000657931.7), dbSNP rs755152088, ClinGen allele CA3077479.

ClinVar aggregate classification (germline): Uncertain significance. Review status: criteria provided, multiple submitters, no conflicts (2 of 4 stars). 2 submissions from 2 submitters: Uncertain significance (2). Last evaluated 2024-08-05.

Conditions:
Inborn genetic diseases. Identifiers: MedGen C0950123, MeSH D030342.
Neuronal ceroid lipofuscinosis 7 (CLN7). Also called: MFSD8-Related Neuronal Ceroid-Lipofuscinosis. Identifiers: Orphanet 168491, Orphanet 228366, MedGen C1838571, MONDO:0012588, OMIM 610951.

Allele frequency attached by ClinVar (database versions not stated): gnomAD exomes below 0.00001 and 0.00001; gnomAD 0.00001; TOPMed 0.00001; ExAC 0.00002.
gnomAD v4.1: 9 of 1,613,980 alleles (0.00056%); highest among the groups gnomAD compares: Non-Finnish European, 0.00068%; no homozygotes.

Submissions (2):

Labcorp Genetics (formerly Invitae), Labcorp
Classification: Uncertain significance for Neuronal ceroid lipofuscinosis 7. Last evaluated: 2024-08-05. Review status: criteria provided, single submitter. Criteria: Invitae Variant Classification Sherloc (09022015). Collection method: clinical testing. Allele origin: germline.
Comment: This sequence change replaces alanine, which is neutral and non-polar, with threonine, which is neutral and polar, at codon 146 of the MFSD8 protein (p.Ala146Thr). This variant is present in population databases (rs755152088, gnomAD 0.003%). This variant has not been reported in the literature in individuals affected with MFSD8-related conditions. ClinVar contains an entry for this variant (Variation ID: 657931). Advanced modeling of protein sequence and biophysical properties (such as structural, functional, and spatial information, amino acid conservation, physicochemical variation, residue mobility, and thermodynamic stability) performed at Invitae indicates that this missense variant is not expected to disrupt MFSD8 protein function with a negative predictive value of 80%. In summary, the available evidence is currently insufficient to determine the role of this variant in disease. Therefore, it has been classified as a Variant of Uncertain Significance.

Ambry Genetics
Classification: Uncertain significance for Inborn genetic diseases. Last evaluated: 2023-09-21. Review status: criteria provided, single submitter. Criteria: Ambry Variant Classification Scheme 2023. Collection method: clinical testing. Allele origin: germline.